The following is an entry in ClinVar:

NM_000179.3(MSH6):c.1433A>G (p.Tyr478Cys)

Gene: MSH6 (mutS homolog 6; plus strand). Cytogenetic location: 2p16.3.
Variant type: single nucleotide variant.
Coding change: c.1433A>G on transcript NM_000179.3 (MANE Select); coding-DNA position 1433, A replaced by G.
Protein change: p.Tyr478Cys; replaces tyrosine 478 with cysteine.
Molecular consequence: missense variant.
Genome position (GRCh38, 1-based): chr2:47,799,416, A>G. VCF-style: chr2-47799416-A-G. GRCh37 (hg19) VCF-style: chr2-48026555-A-G.
Other names: c.1043A>G, p.Tyr348Cys (NM_001281492.2); c.527A>G, p.Tyr176Cys (NM_001281493.2, NM_001281494.2); short protein forms Y478C, Y176C, Y348C.
Identifiers: ClinVar variation 455137 (VCV000455137.10), dbSNP rs1343978618, ClinGen allele CA346745524.
Genomic context (GRCh38, chr2:47,799,416, plus strand): 5'-ATTCTGGCTTTCCTGAAATTGCATTTGGCCGTTATTCAGATTCCCTGGTGCAGAAGGGCT[A>G]TAAAGTAGCACGAGTGGAACAGACTGAGACTCCAGAAATGATGGAGGCACGATGTAGAAA-3'
Protein context (NP_000170.1, residues 468-488): RYSDSLVQKG[Tyr478Cys]KVARVEQTET

ClinVar aggregate classification (germline): Uncertain significance. Review status: criteria provided, multiple submitters, no conflicts (2 of 4 stars). 3 submissions from 3 submitters: Uncertain significance (3). Last evaluated 2025-05-12.

Conditions:
Hereditary nonpolyposis colorectal neoplasms. Identifiers: MedGen C0009405, MeSH D003123.
Hereditary cancer-predisposing syndrome. Also called: Hereditary Cancer Syndrome; Hereditary neoplastic syndrome; Neoplastic Syndromes, Hereditary; Tumor predisposition. Identifiers: Orphanet 140162, MedGen C0027672, MeSH D009386, MONDO:0015356.

Allele frequency attached by ClinVar (database versions not stated): gnomAD exomes below 0.00001 and 0.00001; gnomAD 0.00001.
gnomAD v4.1: 10 of 1,614,070 alleles (0.00062%); highest among the groups gnomAD compares: African/African-American, 0.0013%; no homozygotes.

Submissions (3):

Ambry Genetics
Classification: Uncertain significance for Hereditary cancer-predisposing syndrome. Last evaluated: 2025-05-12. Review status: criteria provided, single submitter. Criteria: Ambry Variant Classification Scheme 2023. Collection method: clinical testing. Allele origin: germline.
Comment: The p.Y478C variant (also known as c.1433A>G), located in coding exon 4 of the MSH6 gene, results from an A to G substitution at nucleotide position 1433. The tyrosine at codon 478 is replaced by cysteine, an amino acid with highly dissimilar properties. This amino acid position is highly conserved in available vertebrate species. In addition, this alteration is predicted to be deleterious by in silico analysis. Based on the available evidence, the clinical significance of this variant remains unclear.

Labcorp Genetics (formerly Invitae), Labcorp
Classification: Uncertain significance for Hereditary nonpolyposis colorectal neoplasms. Last evaluated: 2024-05-29. Review status: criteria provided, single submitter. Criteria: Invitae Variant Classification Sherloc (09022015). Collection method: clinical testing. Allele origin: germline.
Comment: This sequence change replaces tyrosine, which is neutral and polar, with cysteine, which is neutral and slightly polar, at codon 478 of the MSH6 protein (p.Tyr478Cys). This variant is present in population databases (no rsID available, gnomAD 0.0009%). This variant has not been reported in the literature in individuals affected with MSH6-related conditions. ClinVar contains an entry for this variant (Variation ID: 455137). Advanced modeling of protein sequence and biophysical properties (such as structural, functional, and spatial information, amino acid conservation, physicochemical variation, residue mobility, and thermodynamic stability) performed at Invitae indicates that this missense variant is expected to disrupt MSH6 protein function with a positive predictive value of 95%. In summary, the available evidence is currently insufficient to determine the role of this variant in disease. Therefore, it has been classified as a Variant of Uncertain Significance.

Color Diagnostics, LLC DBA Color Health
Classification: Uncertain significance for Hereditary cancer-predisposing syndrome. Last evaluated: 2018-08-03. Review status: criteria provided, single submitter. Criteria: ACMG Guidelines, 2015. Collection method: clinical testing. Allele origin: germline.